The following is an entry in ClinVar:

ClinVar aggregate classification (germline): Uncertain significance (1 of 4 stars; one submission).

Conditions:
Perlman syndrome (PRLMNS). Identifiers: Orphanet 2849, MedGen C0796113, MONDO:0009965, OMIM 267000.

Submission:

Labcorp Genetics (formerly Invitae), Labcorp
Classification: Uncertain significance for Perlman syndrome. Last evaluated: 2025-04-14. Review status: criteria provided, single submitter. Criteria: Invitae Variant Classification Sherloc (09022015). Collection method: clinical testing. Allele origin: germline.
Comment: This sequence change replaces asparagine, which is neutral and polar, with histidine, which is basic and polar, at codon 129 of the DIS3L2 protein (p.Asn129His). This variant is not present in population databases (gnomAD no frequency). This variant has not been reported in the literature in individuals affected with DIS3L2-related conditions. ClinVar contains an entry for this variant (Variation ID: 1718961). An algorithm developed to predict the effect of missense changes on protein structure and function (PolyPhen-2) suggests that this variant is likely to be tolerated. In summary, the available evidence is currently insufficient to determine the role of this variant in disease. Therefore, it has been classified as a Variant of Uncertain Significance.

NM_152383.5(DIS3L2):c.385A>C (p.Asn129His)

Gene: DIS3L2 (DIS3 like 3'-5' exoribonuclease 2; plus strand). Cytogenetic location: 2q37.1.
Variant type: single nucleotide variant.
Coding change: c.385A>C on transcript NM_152383.5 (MANE Select); coding-DNA position 385, A replaced by C.
Protein change: p.Asn129His; replaces asparagine 129 with histidine.
Molecular consequence: missense variant. On other transcripts: non-coding transcript variant (2).
Genome position (GRCh38, 1-based): chr2:232,087,505, A>C. VCF-style: chr2-232087505-A-C. GRCh37 (hg19) VCF-style: chr2-232952215-A-C.
Other names: c.385A>C, p.Asn129His (NM_001257281.2, NM_001257282.2); short protein forms N129H.
Identifiers: ClinVar variation 1718961 (VCV001718961.5), dbSNP rs753508150, ClinGen allele CA351154852.
Genomic context (GRCh38, chr2:232,087,505, plus strand): 5'-TCCTCTCTCAGTGATTTAGCAGAATTTTTCTGTTTTCTTTAGGTAGTTAAACCAGAGAGC[A>C]ATGACAAAGAAACAGAAGCTGCGTATGAATCAGATATCCCCGAGGAGCTCTGTGGACACC-3'
Protein context (NP_689596.4, residues 119-139): EHWKVVKPES[Asn129His]DKETEAAYES